The following is an entry in ClinVar:

NM_001163435.3(TBCK):c.2419C>T (p.Arg807Cys)

Gene: TBCK (TBC1 domain containing kinase; minus strand). Cytogenetic location: 4q24.
Variant type: single nucleotide variant.
Coding change: c.2419C>T on transcript NM_001163435.3 (MANE Select); coding-DNA position 2419, C replaced by T.
Protein change: p.Arg807Cys; replaces arginine 807 with cysteine.
Molecular consequence: missense variant.
Genome position (GRCh38, 1-based): chr4:106,095,634, G>A on the plus strand (C>T on the coding strand, the complement: TBCK is on the minus strand). VCF-style: chr4-106095634-G-A. GRCh37 (hg19) VCF-style: chr4-107016791-G-A.
Other names: c.2419C>T, p.Arg807Cys (NM_001163436.4); c.2302C>T, p.Arg768Cys (NM_001163437.3); c.1903C>T, p.Arg635Cys (NM_001290768.2); c.2230C>T, p.Arg744Cys (NM_033115.5); short protein forms R744C, R768C, R807C, R635C.
Identifiers: ClinVar variation 1507605 (VCV001507605.6), dbSNP rs371057656, ClinGen allele CA3034705.

ClinVar aggregate classification (germline): Uncertain significance. Review status: criteria provided, multiple submitters, no conflicts (2 of 4 stars). 2 submissions from 2 submitters: Uncertain significance (2). Last evaluated 2024-03-08.

Allele frequency attached by ClinVar (database versions not stated): gnomAD 0.00004 and 0.00005; gnomAD exomes 0.00005 and 0.00007; ESP Exome Variant Server 0.00008; ExAC 0.00009; TOPMed 0.00010; 1000 Genomes Project 0.00020; 1000 Genomes Project 30x 0.00031.

Submissions (2):

Blueprint Genetics
Classification: Uncertain significance. Last evaluated: 2024-03-08. Review status: criteria provided, single submitter. Criteria: ACMG Guidelines, 2015. Collection method: clinical testing. Allele origin: germline.

Labcorp Genetics (formerly Invitae), Labcorp
Classification: Uncertain significance. Last evaluated: 2022-02-10. Review status: criteria provided, single submitter. Criteria: Invitae Variant Classification Sherloc (09022015). Collection method: clinical testing. Allele origin: germline.
Comment: This sequence change replaces arginine, which is basic and polar, with cysteine, which is neutral and slightly polar, at codon 807 of the TBCK protein (p.Arg807Cys). This variant is present in population databases (rs371057656, gnomAD 0.03%). This variant has not been reported in the literature in individuals affected with TBCK-related conditions. Algorithms developed to predict the effect of missense changes on protein structure and function are either unavailable or do not agree on the potential impact of this missense change (SIFT: "Deleterious"; PolyPhen-2: "Possibly Damaging"; Align-GVGD: "Class C0"). In summary, the available evidence is currently insufficient to determine the role of this variant in disease. Therefore, it has been classified as a Variant of Uncertain Significance.